The following is an entry in ClinVar:

ClinVar aggregate classification (germline): Uncertain significance (1 of 4 stars; one submission).

Conditions:
Kabuki syndrome. Also called: NIIKAWA-KUROKI SYNDROME; Kabuki make-up syndrome. Identifiers: Orphanet 2322, MedGen C0796004, MONDO:0016512.

Submission:

Labcorp Genetics (formerly Invitae), Labcorp
Classification: Uncertain significance for Kabuki syndrome. Last evaluated: 2022-03-26. Review status: criteria provided, single submitter. Criteria: Invitae Variant Classification Sherloc (09022015). Collection method: clinical testing. Allele origin: germline.
Comment: In summary, the available evidence is currently insufficient to determine the role of this variant in disease. Therefore, it has been classified as a Variant of Uncertain Significance. Variants that disrupt the consensus splice site are a relatively common cause of aberrant splicing (PMID: 17576681, 9536098). Algorithms developed to predict the effect of sequence changes on RNA splicing suggest that this variant is not likely to affect RNA splicing. This variant has not been reported in the literature in individuals affected with KMT2D-related conditions. This variant is not present in population databases (gnomAD no frequency). This sequence change falls in intron 24 of the KMT2D gene. It does not directly change the encoded amino acid sequence of the KMT2D protein. It affects a nucleotide within the consensus splice site.

Literature cited by the submitters: PubMed 17576681; PubMed 9536098.

NM_003482.4(KMT2D):c.5533+6G>C

Gene: KMT2D (lysine methyltransferase 2D; minus strand). Cytogenetic location: 12q13.12.
Variant type: single nucleotide variant.
Coding change: c.5533+6G>C on transcript NM_003482.4 (MANE Select); 6 bases into the intron after coding-DNA position 5533, G replaced by C.
Molecular consequence: intron variant.
Genome position (GRCh38, 1-based): chr12:49,043,357, C>G on the plus strand (G>C on the coding strand, the complement: KMT2D is on the minus strand). VCF-style: chr12-49043357-C-G. GRCh37 (hg19) VCF-style: chr12-49437140-C-G.
Identifiers: ClinVar variation 2117195 (VCV002117195.4), dbSNP rs747593413, ClinGen allele CA2580086328.
Genomic context (GRCh38, chr12:49,043,357, plus strand): 5'-GGGCACAGCAGAGGGACAGAGGCAAGCAAGGCCAAGACAGGACACAGTAACCCCGGCAGC[C>G]CTCACCTGGTGTATCGGCTTTGCCCTCGAGGCCACGGGATTCTTCATCTGCAATATCTGG-3'